The following is an entry in ClinVar:

ClinVar aggregate classification (germline): Uncertain significance (1 of 4 stars; one submission).

Conditions:
Hereditary cancer-predisposing syndrome. Also called: Hereditary Cancer Syndrome; Hereditary neoplastic syndrome; Neoplastic Syndromes, Hereditary; Tumor predisposition. Identifiers: Orphanet 140162, MedGen C0027672, MeSH D009386, MONDO:0015356.

Allele frequency attached by ClinVar (database versions not stated): gnomAD exomes below 0.00001.
gnomAD v4.1: 1 of 1,608,824 alleles (0.000062%); highest among the groups gnomAD compares: Non-Finnish European, 0.000085%; no homozygotes.

Submission:

Ambry Genetics
Classification: Uncertain significance for Hereditary cancer-predisposing syndrome. Last evaluated: 2021-02-08. Review status: criteria provided, single submitter. Criteria: Ambry Variant Classification Scheme 2023. Collection method: clinical testing. Allele origin: germline.
Comment: The c.1317-4G>A intronic variant results from a G to A substitution 4 nucleotides upstream from coding exon 15 in the CDC73 gene. This nucleotide position is not well conserved in available vertebrate species. In silico splice site analysis predicts that this alteration will not have any significant effect on splicing. Since supporting evidence is limited at this time, the clinical significance of this alteration remains unclear.

NM_024529.5(CDC73):c.1317-4G>A

Gene: CDC73 (cell division cycle 73; plus strand). Cytogenetic location: 1q31.2.
Variant type: single nucleotide variant.
Coding change: c.1317-4G>A on transcript NM_024529.5 (MANE Select); 4 bases into the intron before coding-DNA position 1317, G replaced by A.
Molecular consequence: intron variant.
Genome position (GRCh38, 1-based): chr1:193,236,252, G>A. VCF-style: chr1-193236252-G-A. GRCh37 (hg19) VCF-style: chr1-193205382-G-A.
Identifiers: ClinVar variation 1769799 (VCV001769799.2), dbSNP rs2102061761, ClinGen allele CA2580061778.
Genomic context (GRCh38, chr1:193,236,252, plus strand): 5'-AGCTCAAGTTTGAAATAATCTCCGTCTGTCCCCTACCTCCCCCCACCCACTTTTCTACTT[G>A]TAGGGACCGCGTTGTAGCCGTTTTTGTGCAGGGTCCTGCATGGCAGTTCAAAGGTTGGCC-3'